The following is an entry in ClinVar:

NM_018055.5(NODAL):c.817G>T (p.Ala273Ser)

Gene: NODAL (nodal growth differentiation factor; minus strand). Cytogenetic location: 10q22.1.
Variant type: single nucleotide variant.
Coding change: c.817G>T on transcript NM_018055.5 (MANE Select); coding-DNA position 817, G replaced by T.
Protein change: p.Ala273Ser; replaces alanine 273 with serine.
Molecular consequence: missense variant.
Genome position (GRCh38, 1-based): chr10:70,435,360, C>A on the plus strand (G>T on the coding strand, the complement: NODAL is on the minus strand). VCF-style: chr10-70435360-C-A. GRCh37 (hg19) VCF-style: chr10-72195116-C-A.
Other names: c.418G>T, p.Ala140Ser (NM_001329906.2); short protein forms A140S, A273S.
Identifiers: ClinVar variation 4085890 (VCV004085890.8).
Genomic context (GRCh38, chr10:70,435,360, plus strand): 5'-GGTTGGTCGGATGAAACTCCTCCCCAACAGGATTAGGACACTCGCCCTCACAGCGATAGG[C>A]GTTGTACTGCTTGGGGTAGATGATCCAGGAGCCCCATCCGATCAGGTTGAAGTCCACCTG-3'
Protein context (NP_060525.3, residues 263-283): SWIIYPKQYN[Ala273Ser]YRCEGECPNP

ClinVar aggregate classification (germline): Uncertain significance (1 of 4 stars; one submission).

Submission:

CeGaT Center for Human Genetics Tuebingen
Classification: Uncertain significance. Last evaluated: 2025-08-01. Review status: criteria provided, single submitter. Criteria: CeGaT Center For Human Genetics Tuebingen Variant Classification Criteria Version 2. Collection method: clinical testing. Allele origin: germline. Affected: yes. Observed: 1 variant allele.
Comment: NODAL: PM2